The following is an entry in ClinVar:

ClinVar aggregate classification (germline): Uncertain significance. Review status: criteria provided, multiple submitters, no conflicts (2 of 4 stars). 2 submissions from 2 submitters: Uncertain significance (2). Last evaluated 2024-01-16.

Conditions:
Fanconi anemia (FA). Also called: Fanconi's anemia. Identifiers: Orphanet 84, MedGen C0015625, MeSH D005199, MONDO:0019391.

Allele frequency attached by ClinVar (database versions not stated): gnomAD 0.00001; gnomAD exomes 0.00001 and 0.00003.
gnomAD v4.1: 50 of 1,551,236 alleles (0.0032%); highest among the groups gnomAD compares: Non-Finnish European, 0.0039%; no homozygotes.

Submissions (2):

Blueprint Genetics
Classification: Uncertain significance. Last evaluated: 2024-01-16. Review status: criteria provided, single submitter. Criteria: ACMG Guidelines, 2015. Collection method: clinical testing. Allele origin: germline.

Labcorp Genetics (formerly Invitae), Labcorp
Classification: Uncertain significance for Fanconi anemia. Last evaluated: 2020-08-26. Review status: criteria provided, single submitter. Criteria: Invitae Variant Classification Sherloc (09022015). Collection method: clinical testing. Allele origin: germline.
Comment: This sequence change falls in intron 24 of the FANCI gene. It does not directly change the encoded amino acid sequence of the FANCI protein, but it affects a nucleotide within the consensus splice site of the intron. This variant is not present in population databases (ExAC no frequency). This variant has not been reported in the literature in individuals with FANCI-related conditions. Nucleotide substitutions within the consensus splice site are a relatively common cause of aberrant splicing (PMID: 17576681, 9536098). Algorithms developed to predict the effect of sequence changes on RNA splicing suggest that this variant may disrupt the consensus splice site, but this prediction has not been confirmed by published transcriptional studies. In summary, the available evidence is currently insufficient to determine the role of this variant in disease. Therefore, it has been classified as a Variant of Uncertain Significance.

Literature cited by the submitters: PubMed 17576681 (cited by Labcorp Genetics (formerly Invitae), Labcorp); PubMed 9536098 (cited by Labcorp Genetics (formerly Invitae), Labcorp).

NM_001113378.2(FANCI):c.2636+4A>G

Gene: FANCI (FA complementation group I; plus strand). Cytogenetic location: 15q26.1.
Variant type: single nucleotide variant.
Coding change: c.2636+4A>G on transcript NM_001113378.2 (MANE Select); 4 bases into the intron after coding-DNA position 2636, A replaced by G.
Molecular consequence: intron variant.
Genome position (GRCh38, 1-based): chr15:89,295,098, A>G. VCF-style: chr15-89295098-A-G. GRCh37 (hg19) VCF-style: chr15-89838329-A-G.
Other names: c.2456+1101A>G (NM_018193.3); c.2636+4A>G (NM_001376911.1); c.2357+4A>G (NM_001376910.1).
Identifiers: ClinVar variation 1034713 (VCV001034713.5), dbSNP rs1211300732, ClinGen allele CA619857341.